The following is an entry in ClinVar:

NM_000540.3(RYR1):c.4090G>C (p.Gly1364Arg)

Gene: RYR1 (ryanodine receptor 1; plus strand). Cytogenetic location: 19q13.2.
Variant type: single nucleotide variant.
Coding change: c.4090G>C on transcript NM_000540.3 (MANE Select); coding-DNA position 4090, G replaced by C.
Protein change: p.Gly1364Arg; replaces glycine 1364 with arginine.
Molecular consequence: missense variant.
Genome position (GRCh38, 1-based): chr19:38,473,701, G>C. VCF-style: chr19-38473701-G-C. GRCh37 (hg19) VCF-style: chr19-38964341-G-C.
Other names: c.4090G>C, p.Gly1364Arg (NM_001042723.2); short protein forms G1364R.
Identifiers: ClinVar variation 544439 (VCV000544439.14), dbSNP rs35869497, ClinGen allele CA308079819.

ClinVar aggregate classification (germline): Conflicting classifications of pathogenicity. Review status: criteria provided, conflicting classifications (1 of 4 stars). 4 submissions from 4 submitters: Uncertain significance (1); Likely benign (3). Last evaluated 2025-06-12.

Conditions:
RYR1-related disorder. Also called: RYR1-related condition; RYR1-related disorders. Identifiers: MedGen CN239331.
Malignant hyperthermia, susceptibility to, 1 (MHS1). Also called: RYR1-Related Malignant Hyperthermia Susceptibility; Malignant hyperthermia suceptibility 1; Anesthesia related hyperthermia; Malignant hyperpyrexia; Fulminating hyperpyrexia; Pharmacogenic myopathy. Identifiers: Orphanet 423, MedGen C2930980, MONDO:0007783, OMIM 145600.

Allele frequency attached by ClinVar (database versions not stated): TOPMed 0.00002; gnomAD 0.00042.
gnomAD v4.1: 165 of 1,549,432 alleles (0.011%); highest among the groups gnomAD compares: African/African-American, 0.0096%; no homozygotes.

Submissions (4):

Labcorp Genetics (formerly Invitae), Labcorp
Classification: Likely benign for RYR1-related disorder. Last evaluated: 2025-06-12. Review status: criteria provided, single submitter. Criteria: Invitae Variant Classification Sherloc (09022015). Collection method: clinical testing. Allele origin: germline.

Color Diagnostics, LLC DBA Color Health
Classification: Likely benign for Malignant hyperthermia, susceptibility to, 1. Last evaluated: 2024-03-06. Review status: criteria provided, single submitter. Criteria: ACMG Guidelines, 2015. Collection method: clinical testing. Allele origin: germline.

All of Us Research Program, National Institutes of Health
Classification: Uncertain significance for Malignant hyperthermia, susceptibility to, 1. Last evaluated: 2023-12-18. Review status: criteria provided, single submitter. Criteria: ACMG Guidelines, 2015. Collection method: clinical testing. Allele origin: germline. Inheritance: Autosomal dominant inheritance. Observed: 4 variant alleles, 4 heterozygotes.
Comment: This missense variant replaces glycine with arginine at codon 1364 of the RYR1 protein. Computational prediction suggests that this variant may not impact protein structure and function (internally defined REVEL score threshold <= 0.5, PMID: 27666373). To our knowledge, functional studies have not been reported for this variant. This variant has not been reported in individuals affected with malignant hyperthermia in the literature. This variant has been identified in 48/173892 chromosomes in the general population by the Genome Aggregation Database (gnomAD). The available evidence is insufficient to determine the role of this variant in disease conclusively. Therefore, this variant is classified as a Variant of Uncertain Significance.

This study involves interpretation of variants in research participants for the purpose of population health screening. Participant phenotype was not available at the time of variant classification. Additional details can be found in publication PMID: 35346344, PMCID: PMC8962531

Blueprint Genetics
Classification: Likely benign. Last evaluated: 2023-10-16. Review status: criteria provided, single submitter. Criteria: ACMG Guidelines, 2015. Collection method: clinical testing. Allele origin: germline.